The following is an entry in ClinVar:

ClinVar aggregate classification (germline): Uncertain significance. Review status: criteria provided, multiple submitters, no conflicts (2 of 4 stars). 2 submissions from 2 submitters: Uncertain significance (2). Last evaluated 2026-10-07.

Allele frequency attached by ClinVar (database versions not stated): ExAC 0.00002; gnomAD exomes 0.00002; TOPMed 0.00004; gnomAD 0.00004.
gnomAD v4.1: 28 of 1,607,568 alleles (0.0017%); highest among the groups gnomAD compares: Middle Eastern, 0.016%; no homozygotes.

Submissions (2):

GeneDx
Classification: Uncertain significance. Last evaluated: 2026-10-07. Review status: criteria provided, single submitter. Criteria: GeneDx Variant Classification Process June 2021. Collection method: clinical testing. Allele origin: germline.
Comment: In silico analysis suggests that this missense variant does not alter protein structure/function; Has not been previously published as pathogenic or benign to our knowledge

Labcorp Genetics (formerly Invitae), Labcorp
Classification: Uncertain significance. Last evaluated: 2022-10-05. Review status: criteria provided, single submitter. Criteria: Invitae Variant Classification Sherloc (09022015). Collection method: clinical testing. Allele origin: germline.
Comment: In summary, the available evidence is currently insufficient to determine the role of this variant in disease. Therefore, it has been classified as a Variant of Uncertain Significance. Algorithms developed to predict the effect of missense changes on protein structure and function output the following: SIFT: "Tolerated"; PolyPhen-2: "Benign"; Align-GVGD: "Class C0". The glutamine amino acid residue is found in multiple mammalian species, which suggests that this missense change does not adversely affect protein function. ClinVar contains an entry for this variant (Variation ID: 1062539). This variant has not been reported in the literature in individuals affected with HSPG2-related conditions. The frequency data for this variant in the population databases is considered unreliable, as metrics indicate poor data quality at this position in the gnomAD database. This sequence change replaces arginine, which is basic and polar, with glutamine, which is neutral and polar, at codon 2673 of the HSPG2 protein (p.Arg2673Gln).

NM_005529.7(HSPG2):c.8018G>A (p.Arg2673Gln)

Gene: HSPG2 (heparan sulfate proteoglycan 2; minus strand). Cytogenetic location: 1p36.12.
Variant type: single nucleotide variant.
Coding change: c.8018G>A on transcript NM_005529.7 (MANE Select); coding-DNA position 8018, G replaced by A.
Protein change: p.Arg2673Gln; replaces arginine 2673 with glutamine.
Molecular consequence: missense variant.
Genome position (GRCh38, 1-based): chr1:21,847,696, C>T on the plus strand (G>A on the coding strand, the complement: HSPG2 is on the minus strand). VCF-style: chr1-21847696-C-T. GRCh37 (hg19) VCF-style: chr1-22174189-C-T.
Other names: c.8021G>A, p.Arg2674Gln (NM_001291860.2); short protein forms R2673Q, R2674Q.
Identifiers: ClinVar variation 1062539 (VCV001062539.10), dbSNP rs778613352, ClinGen allele CA670975.
Genomic context (GRCh38, chr1:21,847,696, plus strand): 5'-CTCACCCCAGGAGACCATGGTTCCACCCCCGCTGCTGTGGCTCCACTCTGTACCTGGTGT[C>T]GGGAGGGAAGGCTGCCCCCACGCTTGTACCATGTGATGATAGCCTGGGGCTGCCTGGCGA-3'
Protein context (NP_005520.4, residues 2663-2683): WYKRGGSLPS[Arg2673Gln]HQTHGSHLRL